The following is an entry in ClinVar:

ClinVar aggregate classification (germline): Conflicting classifications of pathogenicity. Review status: criteria provided, conflicting classifications (1 of 4 stars). 9 submissions from 9 submitters: Uncertain significance (5); Likely benign (1). 3 of the submissions do not count toward it. Last evaluated 2024-06-17.

Conditions:
Familial thoracic aortic aneurysm and aortic dissection (TAAD). Also called: Thoracic aortic aneurysms and dissections. Identifiers: Orphanet 91387, MedGen C4707243, MONDO:0019625.
Marfan syndrome (MFS). Also called: FBN1-Related Marfan Syndrome; Marfan syndrome type 1; Marfan's syndrome; Marfan syndrome, classic; MARFAN SYNDROME, TYPE I. Identifiers: Orphanet 284963, Orphanet 558, MedGen C0024796, MONDO:0007947, OMIM 154700.

gnomAD v4.1: 11 of 1,614,006 alleles (0.00068%); highest among the groups gnomAD compares: Non-Finnish European, 0.00093%; no homozygotes.

Submissions (9):

All of Us Research Program, National Institutes of Health
Classification: Uncertain significance for Marfan syndrome. Last evaluated: 2024-06-17. Review status: criteria provided, single submitter. Criteria: ACMG Guidelines, 2015. Collection method: clinical testing. Allele origin: germline. Inheritance: Autosomal dominant inheritance. Observed: 3 variant alleles, 3 heterozygotes.
Comment: This missense variant replaces serine with arginine at codon 836 of the FBN1 protein. Computational prediction is inconclusive regarding the impact of this variant on protein structure and function (internally defined REVEL score threshold 0.5 < inconclusive < 0.7, PMID: 27666373). To our knowledge, functional studies have not been reported for this variant. This variant has not been reported in individuals affected with FBN1-related disorders in the literature. This variant has been identified in 2/250996 chromosomes in the general population by the Genome Aggregation Database (gnomAD). The available evidence is insufficient to determine the role of this variant in disease conclusively. Therefore, this variant is classified as a Variant of Uncertain Significance.

This study involves interpretation of variants in research participants for the purpose of population health screening. Participant phenotype was not available at the time of variant classification. Additional details can be found in publication PMID: 35346344, PMCID: PMC8962531

Color Diagnostics, LLC DBA Color Health
Classification: Uncertain significance for Familial thoracic aortic aneurysm and aortic dissection. Last evaluated: 2024-02-06. Review status: criteria provided, single submitter. Criteria: ACMG Guidelines, 2015. Collection method: clinical testing. Allele origin: germline.
Comment: This missense variant replaces serine with arginine at codon 836 of the FBN1 protein. Computational prediction is inconclusive regarding the impact of this variant on protein structure and function. To our knowledge, functional studies have not been reported for this variant. This variant has not been reported in individuals affected with FBN1-related disorders in the literature. This variant has been identified in 2/250996 chromosomes in the general population by the Genome Aggregation Database (gnomAD). The available evidence is insufficient to determine the role of this variant in disease conclusively. Therefore, this variant is classified as a Variant of Uncertain Significance.

Blueprint Genetics
Classification: Likely benign. Last evaluated: 2021-01-27. Review status: criteria provided, single submitter. Criteria: ACMG Guidelines, 2015. Collection method: clinical testing. Allele origin: germline.

Ambry Genetics
Classification: Uncertain significance for Familial thoracic aortic aneurysm and aortic dissection. Last evaluated: 2020-06-01. Review status: criteria provided, single submitter. Criteria: Ambry Variant Classification Scheme 2023. Collection method: clinical testing. Allele origin: germline.
Comment: The p.S836R variant (also known as c.2508T>A), located in coding exon 20 of the FBN1 gene, results from a T to A substitution at nucleotide position 2508. The serine at codon 836 is replaced by arginine, an amino acid with dissimilar properties, and is located in the cbEGF-like #09 domain. This variant, and another variant affecting this codon (p.S836I, c.2507G>T), have been included in publications referencing entries in disease-specific databases; however, clinical details were limited or not provided (Groth KA et al. Genet. Med., 2017 07;19:772-777; Baudhuin LM et al. Eur. J. Hum. Genet., 2019 10;27:1550-1560). This amino acid position is highly conserved in available vertebrate species. In addition, this alteration is predicted to be deleterious by in silico analysis. Since supporting evidence is limited at this time, the clinical significance of this alteration remains unclear.

Women's Health and Genetics/Laboratory Corporation of America, LabCorp
Classification: Uncertain significance. Last evaluated: 2019-01-16. Review status: criteria provided, single submitter. Criteria: LabCorp Variant Classification Summary - May 2015. Collection method: clinical testing. Allele origin: germline.
Comment: Variant summary: FBN1 c.2508T>A (p.Ser836Arg) results in a non-conservative amino acid change located in the EGF-like domain of the encoded protein sequence. Five of five in-silico tools predict a damaging effect of the variant on protein function. The variant allele was found at a frequency of 8.1e-06 in 245790 control chromosomes (gnomAD). The available data on variant occurrences in the general population are insufficient to allow any conclusion about variant significance. To our knowledge, no occurrence of c.2508T>A in individuals affected with Marfan Syndrome and no experimental evidence demonstrating its impact on protein function have been reported. This patient is lost to additional follow-up. A ClinVar submission from a clinical diagnostic laboratory (evaluation after 2014) cites the variant as uncertain significance. Based on the evidence outlined above, the variant was classified as uncertain significance.

GeneDx
Classification: Uncertain significance. Last evaluated: 2017-08-27. Review status: criteria provided, single submitter. Criteria: GeneDx Variant Classification (06012015). Collection method: clinical testing. Allele origin: germline. Affected: yes.
Comment: The S836R variant in the FBN1 gene has not been reported previously as a pathogenic variant, nor as a benign variant, to our knowledge. The S836R variant is not observed in large population cohorts (Lek et al., 2016; 1000 Genomes Consortium et al., 2015; Exome Variant Server). The S836R variant is a semi-conservative amino acid substitution, which may impact secondary protein structure as these residues differ in some properties. This substitution occurs at a position that is conserved across species, and in silico analysis predicts this variant is probably damaging to the protein structure/function. The S836R variant is reported as likely pathogenic in ClinVar but additional evidence is not available (Landrum et al., 2016; SCV000052365.1). We interpret S836R as a variant of uncertain significance.

Clinical Genetics DNA and cytogenetics Diagnostics Lab, Erasmus MC, Erasmus Medical Center
Classification: Uncertain significance. Review status: no assertion criteria provided. Collection method: clinical testing. Allele origin: germline. Affected: yes. Study: VKGL Data-share Consensus. Not counted in ClinVar's aggregate classification.

Diagnostic Laboratory, Department of Genetics, University Medical Center Groningen
Classification: Uncertain significance. Review status: no assertion criteria provided. Collection method: clinical testing. Allele origin: germline. Affected: yes. Study: VKGL Data-share Consensus. Not counted in ClinVar's aggregate classification.

Genome Diagnostics Laboratory, Amsterdam University Medical Center
Classification: Uncertain significance. Review status: no assertion criteria provided. Collection method: clinical testing. Allele origin: germline. Affected: yes. Study: VKGL Data-share Consensus. Not counted in ClinVar's aggregate classification.

Literature cited by the submitters: PubMed 27906200 (cited by Ambry Genetics); PubMed 31227806 (cited by Ambry Genetics).

NM_000138.5(FBN1):c.2508T>A (p.Ser836Arg)

Gene: FBN1 (fibrillin 1; minus strand). Cytogenetic location: 15q21.1.
Variant type: single nucleotide variant.
Coding change: c.2508T>A on transcript NM_000138.5 (MANE Select); coding-DNA position 2508, T replaced by A.
Protein change: p.Ser836Arg; replaces serine 836 with arginine.
Molecular consequence: missense variant.
Genome position (GRCh38, 1-based): chr15:48,495,500, A>T on the plus strand (T>A on the coding strand, the complement: FBN1 is on the minus strand). VCF-style: chr15-48495500-A-T. GRCh37 (hg19) VCF-style: chr15-48787697-A-T.
Other names: short protein forms S836R.
Identifiers: ClinVar variation 36052 (VCV000036052.14), dbSNP rs193922190, ClinGen allele CA013174.
Genomic context (GRCh38, chr15:48,495,500, plus strand): 5'-AGAAAAATCATTCTCAGAAAGATAAATACCTATGCAGATGGTTTTTGTTGGATCCAAAGT[A>T]CTTTCAGAAGAACATTCACAAATAAAAGAGCCTGGGCTGTTCTTGCAGACTCCATTAATG-3'
Protein context (NP_000129.3, residues 826-846): GSFICECSSE[Ser836Arg]TLDPTKTICI